The following is an entry in ClinVar:

ClinVar aggregate classification (germline): Uncertain significance (1 of 4 stars; one submission).

Allele frequency attached by ClinVar (database versions not stated): gnomAD 0.00001.
gnomAD v4.1: 80 of 1,613,758 alleles (0.005%); highest among the groups gnomAD compares: South Asian, 0.087%; 1 homozygote.

Submission:

Labcorp Genetics (formerly Invitae), Labcorp
Classification: Uncertain significance. Last evaluated: 2022-09-19. Review status: criteria provided, single submitter. Criteria: Invitae Variant Classification Sherloc (09022015). Collection method: clinical testing. Allele origin: germline.
Comment: Algorithms developed to predict the effect of missense changes on protein structure and function are either unavailable or do not agree on the potential impact of this missense change (SIFT: "Deleterious"; PolyPhen-2: "Probably Damaging"; Align-GVGD: "Class C0"). In summary, the available evidence is currently insufficient to determine the role of this variant in disease. Therefore, it has been classified as a Variant of Uncertain Significance. ClinVar contains an entry for this variant (Variation ID: 1523841). This variant has not been reported in the literature in individuals affected with RNLS-related conditions. This variant is present in population databases (rs757519623, gnomAD 0.09%), and has an allele count higher than expected for a pathogenic variant. This sequence change replaces cysteine, which is neutral and slightly polar, with arginine, which is basic and polar, at codon 220 of the RNLS protein (p.Cys220Arg).

NM_001031709.3(RNLS):c.658T>C (p.Cys220Arg)

Gene: RNLS (renalase, FAD dependent amine oxidase; minus strand). Cytogenetic location: 10q23.31.
Variant type: single nucleotide variant.
Coding change: c.658T>C on transcript NM_001031709.3 (MANE Select); coding-DNA position 658, T replaced by C.
Protein change: p.Cys220Arg; replaces cysteine 220 with arginine.
Molecular consequence: missense variant.
Genome position (GRCh38, 1-based): chr10:88,362,594, A>G on the plus strand (T>C on the coding strand, the complement: RNLS is on the minus strand). VCF-style: chr10-88362594-A-G. GRCh37 (hg19) VCF-style: chr10-90122351-A-G.
Other names: c.658T>C, p.Cys220Arg (NM_018363.4); short protein forms C220R.
Identifiers: ClinVar variation 1523841 (VCV001523841.6), dbSNP rs757519623, ClinGen allele CA5590429.
Genomic context (GRCh38, chr10:88,362,594, plus strand): 5'-AATAATAGGGGTACTGACCTATATTGCGCTTCTTATTATCAATGGAGACGAAGCGTATGC[A>G]GGGATTACTGGTGATGTACTGCCCAGCCCAAGGGACATCAATCTTCGTACCAGCTTCATA-3'
Protein context (NP_001026879.2, residues 210-230): WAGQYITSNP[Cys220Arg]IRFVSIDNKK